The following is an entry in ClinVar:

NM_006859.4(LIAS):c.790C>T (p.His264Tyr)

Gene: LIAS (lipoic acid synthetase; plus strand). Cytogenetic location: 4p14.
Variant type: single nucleotide variant.
Coding change: c.790C>T on transcript NM_006859.4 (MANE Select); coding-DNA position 790, C replaced by T.
Protein change: p.His264Tyr; replaces histidine 264 with tyrosine.
Molecular consequence: missense variant.
Genome position (GRCh38, 1-based): chr4:39,470,071, C>T. VCF-style: chr4-39470071-C-T. GRCh37 (hg19) VCF-style: chr4-39471691-C-T.
Other names: c.661C>T, p.His221Tyr (NM_001278590.2); c.481C>T, p.His161Tyr (NM_001363700.2); c.790C>T, p.His264Tyr (NM_194451.3); short protein forms H161Y, H221Y, H264Y.
Identifiers: ClinVar variation 2192483 (VCV002192483.3), dbSNP rs1279488186, ClinGen allele CA356665230.

ClinVar aggregate classification (germline): Uncertain significance (1 of 4 stars; one submission).

Conditions:
Lipoic acid synthetase deficiency. Also called: HYPERGLYCINEMIA, LACTIC ACIDOSIS, AND SEIZURES. Identifiers: Orphanet 401859, MedGen C3280887, MONDO:0013762, OMIM 614462.

Allele frequency attached by ClinVar (database versions not stated): gnomAD exomes below 0.00001.
gnomAD v4.1: 2 of 1,613,962 alleles (0.00012%); highest among the groups gnomAD compares: East Asian, 0.0045%; no homozygotes.

Submission:

Labcorp Genetics (formerly Invitae), Labcorp
Classification: Uncertain significance for Lipoic acid synthetase deficiency. Last evaluated: 2022-05-31. Review status: criteria provided, single submitter. Criteria: Invitae Variant Classification Sherloc (09022015). Collection method: clinical testing. Allele origin: germline.
Comment: This sequence change replaces histidine, which is basic and polar, with tyrosine, which is neutral and polar, at codon 264 of the LIAS protein (p.His264Tyr). This variant is present in population databases (no rsID available, gnomAD 0.01%). In summary, the available evidence is currently insufficient to determine the role of this variant in disease. Therefore, it has been classified as a Variant of Uncertain Significance. Algorithms developed to predict the effect of missense changes on protein structure and function (SIFT, PolyPhen-2, Align-GVGD) all suggest that this variant is likely to be tolerated. This variant has not been reported in the literature in individuals affected with LIAS-related conditions.